The following is an entry in ClinVar:

NM_003280.3(TNNC1):c.184G>A (p.Asp62Asn)

Gene: TNNC1 (troponin C1, slow skeletal and cardiac type; minus strand). Cytogenetic location: 3p21.1.
Variant type: single nucleotide variant.
Coding change: c.184G>A on transcript NM_003280.3 (MANE Select); coding-DNA position 184, G replaced by A.
Protein change: p.Asp62Asn; replaces aspartic acid 62 with asparagine.
Molecular consequence: missense variant.
Genome position (GRCh38, 1-based): chr3:52,452,124, C>T on the plus strand (G>A on the coding strand, the complement: TNNC1 is on the minus strand). VCF-style: chr3-52452124-C-T. GRCh37 (hg19) VCF-style: chr3-52486140-C-T.
Other names: c.184G>A (LRG_378t1); short protein forms D62N.
Identifiers: ClinVar variation 265805 (VCV000265805.18), dbSNP rs1040079072, ClinGen allele CA74776012.
Genomic context (GRCh38, chr3:52,452,124, plus strand): 5'-CCAGCTGGGGTTCTTCTGGAGCCTGGGGAGGAGGGGGCTCACCGTCCTCGTCCACCTCAT[C>T]GATCATCTCCTGCAGCTCCTCAGGGGTGGGGTTCTGGCCCAGCATCCTCATCACCTTGCC-3'
Protein context (NP_003271.1, residues 52-72): PTPEELQEMI[Asp62Asn]EVDEDGSGTV

ClinVar aggregate classification (germline): Uncertain significance. Review status: criteria provided, multiple submitters, no conflicts (2 of 4 stars). 8 submissions from 8 submitters: Uncertain significance (7). 1 of the submissions does not count toward it. Last evaluated 2026-08-19.

Conditions:
Cardiovascular phenotype. Identifiers: MedGen CN230736.
Hypertrophic cardiomyopathy 13. Also called: TNNC1-Related Familial Hypertrophic Cardiomyopathy. Identifiers: MedGen C2750472, MONDO:0013195, OMIM 613243.
Dilated cardiomyopathy 1Z (CMD1Z). Identifiers: Orphanet 154, MedGen C2678475, MONDO:0012745, OMIM 611879.
Dilated cardiomyopathy 1S (CMD1S). Identifiers: Orphanet 154, Orphanet 54260, MedGen C1834481, MONDO:0013262, OMIM 613426.

Allele frequency attached by ClinVar (database versions not stated): gnomAD exomes below 0.00001; TOPMed below 0.00001.

Submissions (8):

Institute of Human Genetics, University of Leipzig Medical Center
Classification: Uncertain significance for Dilated cardiomyopathy 1Z. Last evaluated: 2026-08-19. Review status: criteria provided, single submitter. Criteria: ACMG Guidelines, 2015. Collection method: clinical testing. Allele origin: unknown. Affected: yes.
Comment: Criteria applied: PS4_SUP,PM1_SUP,PM2_SUP,PP2

Labcorp Genetics (formerly Invitae), Labcorp
Classification: Uncertain significance for Hypertrophic cardiomyopathy 13; Dilated cardiomyopathy 1Z. Last evaluated: 2025-11-25. Review status: criteria provided, single submitter. Criteria: Invitae Variant Classification Sherloc (09022015). Collection method: clinical testing. Allele origin: germline.
Comment: This sequence change replaces aspartic acid, which is acidic and polar, with asparagine, which is neutral and polar, at codon 62 of the TNNC1 protein (p.Asp62Asn). This variant is not present in population databases (gnomAD no frequency). This missense change has been observed in individual(s) with TNNC1-related conditions (PMID: 28798025, 34935411). ClinVar contains an entry for this variant (Variation ID: 265805). An algorithm developed to predict the effect of missense changes on protein structure and function (PolyPhen-2) suggests that this variant is likely to be disruptive. In summary, the available evidence is currently insufficient to determine the role of this variant in disease. Therefore, it has been classified as a Variant of Uncertain Significance.

Ambry Genetics
Classification: Uncertain significance for Cardiovascular phenotype. Last evaluated: 2025-04-28. Review status: criteria provided, single submitter. Criteria: Ambry Variant Classification Scheme 2023. Collection method: clinical testing. Allele origin: germline.
Comment: The p.D62N variant (also known as c.184G>A), located in coding exon 3 of the TNNC1 gene, results from a G to A substitution at nucleotide position 184. The aspartic acid at codon 62 is replaced by asparagine, an amino acid with highly similar properties. This variant has been reported in individuals with features consistent with dilated cardiomyopathy, and co-occurred with a second TNNC1 variant in siblings with early onset, severe DCM (Klauke B et al. PLoS One, 2017 Dec;12:e0189489; Guelly C et al. PeerJ, 2021 Jan;9:e10711; Khan RS et al. 2022 Jan;11(1):e022854; Ambry internal data). This amino acid position is well conserved in available vertebrate species. In addition, this alteration is predicted to be tolerated by in silico analysis. Based on the available evidence, the clinical significance of this variant remains unclear.

ARUP Laboratories, Molecular Genetics and Genomics, ARUP Laboratories
Classification: Uncertain significance. Last evaluated: 2025-04-22. Review status: criteria provided, single submitter. Criteria: ARUP Molecular Germline Variant Investigation Process 2024. Collection method: clinical testing. Allele origin: germline.
Comment: The TNNC1 c.184G>A; p.Asp62Asn variant (rs1040079072, ClinVar Variation ID: 265805) is reported in the literature in individuals affected with cardiomyopathy or left ventricular noncompaction (Guelly 2021, Khan 2022, Klauke 2017, Miszalski-Jamka 2017, van Lint 2019). This variant is absent from the Genome Aggregation Database (v2.1.1), indicating it is not a common polymorphism. Computational analyses are uncertain whether this variant is neutral or deleterious (REVEL: 0.425). Due to limited information, the clinical significance of this variant is uncertain at this time. References: Guelly C et al. Patients with coronary heart disease, dilated cardiomyopathy and idiopathic ventricular tachycardia share overlapping patterns of pathogenic variation in cardiac risk genes. PeerJ. 2021 Jan 19;9:e10711. PMID: 33552729. Khan RS et al. Genotype and Cardiac Outcomes in Pediatric Dilated Cardiomyopathy. J Am Heart Assoc. 2022 Jan 4;11(1):e022854. PMID: 34935411. Klauke B et al. High proportion of genetic cases in patients with advanced cardiomyopathy including a novel homozygous Plakophilin 2-gene mutation. PLoS One. 2017 Dec 18;12(12):e0189489. PMID: 29253866. Miszalski-Jamka K et al. Novel Genetic Triggers and Genotype-Phenotype Correlations in Patients With Left Ventricular Noncompaction. Circ Cardiovasc Genet. 2017 Aug;10(4):e001763. PMID: 28798025. van Lint FHM et al. Large next-generation sequencing gene panels in genetic heart disease: yield of pathogenic variants and variants of unknown significance. Neth Heart J. 2019 Jun;27(6):304-309. PMID: 30847666.

Molecular Diagnostic Laboratory for Inherited Cardiovascular Disease, Montreal Heart Institute
Classification: Uncertain significance for Cardiovascular phenotype. Last evaluated: 2025-04-09. Review status: criteria provided, single submitter. Criteria: ACMG Guidelines, 2015. Collection method: clinical testing. Allele origin: germline. Affected: yes.

Blueprint Genetics
Classification: Uncertain significance. Last evaluated: 2024-06-03. Review status: criteria provided, single submitter. Criteria: ACMG Guidelines, 2015. Collection method: clinical testing. Allele origin: germline.

GeneDx
Classification: Uncertain significance. Last evaluated: 2019-06-14. Review status: criteria provided, single submitter. Criteria: GeneDx Variant Classification Process June 2021. Collection method: clinical testing. Allele origin: germline. Affected: yes.
Comment: Reported in association with LVNC; however, additional clinical and segregation data were not provided (Miszalski-Jamka et al., 2017); Not observed in large population cohorts (Lek et al., 2016); In silico analysis, which includes protein predictors and evolutionary conservation, supports that this variant does not alter protein structure/function; This variant is associated with the following publications: (PMID: 28798025)

Institut für Laboratoriums- und Transfusionsmedizin, Herz- und Diabeteszentrum Nordrhein-Westfalen
Classification: Uncertain significance for Dilated cardiomyopathy 1S. Last evaluated: 2016-05-01. Review status: no assertion criteria provided. Collection method: clinical testing. Allele origin: inherited. Affected: yes. Observed: 2 variant alleles. Not counted in ClinVar's aggregate classification.

Literature cited by the submitters: PubMed 28798025 (cited by Labcorp Genetics (formerly Invitae), Labcorp and Ambry Genetics); PubMed 34935411 (cited by Labcorp Genetics (formerly Invitae), Labcorp and Ambry Genetics); PubMed 29253866 (cited by Ambry Genetics); PubMed 30847666 (cited by Ambry Genetics); PubMed 33552729 (cited by Ambry Genetics).